The following is an entry in ClinVar:

NM_000642.3(AGL):c.1079_1080del (p.His360fs)

Gene: AGL (amylo-alpha-1,6-glucosidase and 4-alpha-glucanotransferase; plus strand). Cytogenetic location: 1p21.2.
Variant type: Deletion.
Coding change: c.1079_1080del on transcript NM_000642.3 (MANE Select); coding-DNA positions 1079 to 1080, 2 bases deleted (AT; older notation c.1079_1080delAT).
Protein change: p.His360fs; shifts the reading frame from histidine 360.
Molecular consequence: frameshift variant.
Genome position (GRCh38, 1-based): chr1:99,874,807-99,874,808, AT deleted. VCF-style (leftmost placement, unchanged base first): chr1-99874806-CAT-C. GRCh37 (hg19) VCF-style: chr1-100340362-CAT-C.
Other names: c.1079_1080del, p.His360fs (NM_000028.3, NM_000643.3, NM_000644.3 and 3 more transcripts); c.1031_1032del, p.His344fs (NM_000646.3); c.875_876del, p.His292fs (NM_001425328.1, NM_001425329.1); c.701_702del, p.His234fs (NM_001425332.1); short protein forms H234fs, H292fs, H344fs, H360fs.
Identifiers: ClinVar variation 5015061 (VCV005015061.1).

ClinVar aggregate classification (germline): Pathogenic (1 of 4 stars; one submission).

Conditions:
Glycogen storage disease type III (GSD3). Also called: FORBES DISEASE; Cori disease. Identifiers: Orphanet 366, MedGen C0017922, MONDO:0009291, OMIM 232400.

Submission:

Myriad Genetics, Inc.
Classification: Pathogenic for Glycogen storage disease type III. Last evaluated: 2025-10-07. Review status: criteria provided, single submitter. Criteria: Myriad Autosomal Dominant, Autosomal Recessive and X-Linked Classification Criteria (2023). Collection method: clinical testing. Allele origin: unknown.
Comment: NM_000642.2(AGL):c.1079_1080delAT(H360Rfs*8) is expected to be pathogenic in the context of glycogen storage disease type III. This variant is predicted to lead to an abnormal or absent protein product due to the creation of a premature termination codon in AGL, a gene where loss-of-function variants are known to be pathogenic. Please note: this variant was assessed in the context of healthy population screening.